The following is an entry in ClinVar:

ClinVar aggregate classification (germline): Conflicting classifications of pathogenicity. Review status: criteria provided, conflicting classifications (1 of 4 stars). 3 submissions from 3 submitters: Uncertain significance (1); Likely benign (1). 1 of the submissions does not count toward it. Last evaluated 2024-10-09.

Conditions:
AR-related disorder. Also called: AR-related condition.
Androgen resistance syndrome (AIS). Also called: Androgen insensitivity syndrome; Androgen insensitivity, complete; Androgen insensitivity syndrome due to coactivator deficiency; Androgen insensitivity; DHTR DEFICIENCY; ANDROGEN RECEPTOR DEFICIENCY. Identifiers: Orphanet 754, Orphanet 99429, MedGen C0039585, MONDO:0019154, OMIM 300068. Disease mechanism: loss of function.

Submissions (3):

Blueprint Genetics
Classification: Likely benign. Last evaluated: 2024-10-09. Review status: criteria provided, single submitter. Criteria: ACMG Guidelines, 2015. Collection method: clinical testing. Allele origin: germline.

Genomic Research Center, Shahid Beheshti University of Medical Sciences
Classification: Uncertain significance for Androgen resistance syndrome. Last evaluated: 2018-08-07. Review status: criteria provided, single submitter. Criteria: ACMG Guidelines, 2015. Collection method: clinical testing. Allele origin: inherited. Affected: no. Observed: 1 variant allele.

PreventionGenetics, part of Exact Sciences
Classification: Likely benign for AR-related condition. Last evaluated: 2019-12-19. Review status: no assertion criteria provided. Collection method: clinical testing. Allele origin: germline. Not counted in ClinVar's aggregate classification.
Comment: This variant is classified as likely benign based on ACMG/AMP sequence variant interpretation guidelines (Richards et al. 2015 PMID: 25741868, with internal and published modifications).

NM_000044.6(AR):c.1370GCG[7] (p.Gly464_Gly473del)

Gene: AR (androgen receptor; plus strand). Cytogenetic location: Xq12.
Variant type: Microsatellite.
Coding change: c.1370GCG[7] on transcript NM_000044.6 (MANE Select); seven copies in a row of the 3-base unit GCG starting at c.1370; the reference has 17 copies in a row; ten copies, 30 bases deleted.
Protein change: p.Gly464_Gly473del.
Molecular consequence: inframe deletion. On other transcripts: 5 prime UTR variant (1).
Genome position (GRCh38, 1-based): chrX:67,546,537-67,546,566, GCGGCGGCGGCGGCGGCGGCGGCGGCGGCG deleted; deleting any 30 consecutive bases within chrX:67,546,515-67,546,566 gives the same sequence; the position shown is the placement nearest the transcript's 3' end. VCF-style (leftmost placement, unchanged base first): chrX-67546514-TGGCGGCGGCGGCGGCGGCGGCGGCGGCGGC-T. GRCh37 (hg19) VCF-style: chrX-66766356-TGGCGGCGGCGGCGGCGGCGGCGGCGGCGGC-T.
Other names: c.-414GCG[7] (NM_001011645.3); c.1370GCG[7], p.Gly464_Gly473del (NM_001348061.1, NM_001348063.1, NM_001348064.1); c.1391_1420del30 (NM_000044.3).
Identifiers: ClinVar variation 587619 (VCV000587619.7), dbSNP rs746853821, ClinGen allele CA877549808.